The following is an entry in ClinVar:

ClinVar aggregate classification (germline): Conflicting classifications of pathogenicity. Review status: criteria provided, conflicting classifications (1 of 4 stars). 7 submissions from 7 submitters: Uncertain significance (6); Likely benign (1). Last evaluated 2025-12-26.

Conditions:
Cardiomyopathy, dilated, with wooly hair, keratoderma, and tooth agenesis. Also called: Cardiomyopathy, dilated, with woolly hair, keratoderma, and tooth agenesis; Erythrokeratodermia-cardiomyopathy syndrome. Identifiers: Orphanet 476096, Orphanet 65282, MedGen C4014393, MONDO:0014355, OMIM 615821.
Arrhythmogenic cardiomyopathy with wooly hair and keratoderma. Also called: PALMOPLANTAR KERATODERMA WITH LEFT VENTRICULAR CARDIOMYOPATHY AND WOOLLY HAIR; Carvajal syndrome; Dilated cardiomyopathy with woolly hair and keratoderma; Arrhythmogenic cardiomyopathy with woolly hair and keratoderma. Identifiers: Orphanet 65282, MedGen C1854063, MONDO:0011581, OMIM 605676.
Keratosis palmoplantaris striata 2. Also called: KERATODERMA, PALMOPLANTAR, STRIATE FORM II; STRIATE PALMOPLANTAR KERATODERMA II; Keratosis palmoplantaris striata II. Identifiers: MedGen C1852127, MONDO:0013034, OMIM 612908.
Arrhythmogenic right ventricular dysplasia 8 (ARVD8). Also called: Arrhythmogenic Right Ventricular Dysplasia/Cardiomyopathy 8; ARRHYTHMOGENIC RIGHT VENTRICULAR CARDIOMYOPATHY 8; ARRHYTHMOGENIC RIGHT VENTRICULAR DYSPLASIA, FAMILIAL, 8. Identifiers: MedGen C1843896, MONDO:0011831, OMIM 607450.
Woolly hair-skin fragility syndrome (WHSF). Identifiers: Orphanet 293165, MedGen C1843292, MONDO:0957307, OMIM 620415.
Lethal acantholytic epidermolysis bullosa (EBLA). Identifiers: Orphanet 158687, MedGen C1864826, MONDO:0012323, OMIM 609638.
Cardiovascular phenotype. Identifiers: MedGen CN230736.
Cardiomyopathy (CMYO). Also called: Cardiomyopathies. Identifiers: Orphanet 167848, MedGen C0878544, MONDO:0004994, HP:0001638. Inheritance: Various modes of inheritance.
DSP-related disorder. Also called: DSP-related condition; DSP-related disorders.

Allele frequency attached by ClinVar (database versions not stated): gnomAD 0.00001; gnomAD exomes 0.00001 and 0.00005; TOPMed 0.00001; ExAC 0.00002.
gnomAD v4.1: 74 of 1,613,904 alleles (0.0046%); highest among the groups gnomAD compares: Non-Finnish European, 0.0063%; no homozygotes.

Submissions (7):

Labcorp Genetics (formerly Invitae), Labcorp
Classification: Likely benign for Arrhythmogenic cardiomyopathy with wooly hair and keratoderma; Arrhythmogenic right ventricular dysplasia 8. Last evaluated: 2025-12-26. Review status: criteria provided, single submitter. Criteria: Invitae Variant Classification Sherloc (09022015). Collection method: clinical testing. Allele origin: germline.

PreventionGenetics, part of Exact Sciences
Classification: Uncertain significance for DSP-related condition. Last evaluated: 2025-04-29. Review status: criteria provided, single submitter. Criteria: ACMG Guidelines, 2015. Collection method: clinical testing. Allele origin: germline.
Comment: The DSP c.1016A>G variant is predicted to result in the amino acid substitution p.Asn339Ser. To our knowledge, this variant has not been reported in the literature. This variant is reported in 0.0026% of alleles in individuals of European (Non-Finnish) descent in gnomAD. At this time, the clinical significance of this variant is uncertain due to the absence of conclusive functional and genetic evidence.

All of Us Research Program, National Institutes of Health
Classification: Uncertain significance for Arrhythmogenic cardiomyopathy with wooly hair and keratoderma. Last evaluated: 2024-05-14. Review status: criteria provided, single submitter. Criteria: ACMG Guidelines, 2015. Collection method: clinical testing. Allele origin: germline. Inheritance: Autosomal dominant inheritance. Observed: 3 variant alleles, 3 heterozygotes.
Comment: This missense variant replaces asparagine with serine at codon 339 of the DSP protein. Computational prediction suggests that this variant may not impact protein structure and function (internally defined REVEL score threshold <= 0.5, PMID: 27666373). To our knowledge, functional studies have not been reported for this variant. This variant has not been reported in individuals affected with DSP-related disorders in the literature. This variant has been identified in 3/251012 chromosomes in the general population by the Genome Aggregation Database (gnomAD). The available evidence is insufficient to determine the role of this variant in disease conclusively. Therefore, this variant is classified as a Variant of Uncertain Significance.

This study involves interpretation of variants in research participants for the purpose of population health screening. Participant phenotype was not available at the time of variant classification. Additional details can be found in publication PMID: 35346344, PMCID: PMC8962531

Color Diagnostics, LLC DBA Color Health
Classification: Uncertain significance for Cardiomyopathy. Last evaluated: 2024-03-06. Review status: criteria provided, single submitter. Criteria: ACMG Guidelines, 2015. Collection method: clinical testing. Allele origin: germline.
Comment: This missense variant replaces asparagine with serine at codon 339 of the DSP protein. Computational prediction suggests that this variant may not impact protein structure and function (internally defined REVEL score threshold <= 0.5, PMID: 27666373). To our knowledge, functional studies have not been reported for this variant. This variant has not been reported in individuals affected with DSP-related disorders in the literature. This variant has been identified in 3/251012 chromosomes in the general population by the Genome Aggregation Database (gnomAD). The available evidence is insufficient to determine the role of this variant in disease conclusively. Therefore, this variant is classified as a Variant of Uncertain Significance.

Ambry Genetics
Classification: Uncertain significance for Cardiovascular phenotype. Last evaluated: 2023-07-31. Review status: criteria provided, single submitter. Criteria: Ambry Variant Classification Scheme 2023. Collection method: clinical testing. Allele origin: germline.
Comment: The p.N339S variant (also known as c.1016A>G), located in coding exon 8 of the DSP gene, results from an A to G substitution at nucleotide position 1016. The asparagine at codon 339 is replaced by serine, an amino acid with highly similar properties. This amino acid position is conserved. In addition, this alteration is predicted to be tolerated by in silico analysis. Since supporting evidence is limited at this time, the clinical significance of this alteration remains unclear.

GeneDx
Classification: Uncertain significance. Last evaluated: 2022-12-23. Review status: criteria provided, single submitter. Criteria: GeneDx Variant Classification Process June 2021. Collection method: clinical testing. Allele origin: germline. Affected: yes.
Comment: Has not been previously published as pathogenic or benign to our knowledge; Not observed at significant frequency in large population cohorts (gnomAD); In silico analysis supports that this missense variant does not alter protein structure/function

Fulgent Genetics
Classification: Uncertain significance for Arrhythmogenic cardiomyopathy with wooly hair and keratoderma; Arrhythmogenic right ventricular dysplasia 8; Lethal acantholytic epidermolysis bullosa; Keratosis palmoplantaris striata 2; Cardiomyopathy, dilated, with wooly hair, keratoderma, and tooth agenesis. Last evaluated: 2022-02-09. Review status: criteria provided, single submitter. Criteria: ACMG Guidelines, 2015. Collection method: clinical testing. Allele origin: unknown.

NM_004415.4(DSP):c.1016A>G (p.Asn339Ser)

Gene: DSP (desmoplakin; plus strand). Cytogenetic location: 6p24.3.
Variant type: single nucleotide variant.
Coding change: c.1016A>G on transcript NM_004415.4 (MANE Select); coding-DNA position 1016, A replaced by G.
Protein change: p.Asn339Ser; replaces asparagine 339 with serine.
Molecular consequence: missense variant.
Genome position (GRCh38, 1-based): chr6:7,566,453, A>G. VCF-style: chr6-7566453-A-G. GRCh37 (hg19) VCF-style: chr6-7566686-A-G.
Other names: c.1016A>G, p.Asn339Ser (NM_001008844.3, NM_001319034.2); c.1016A>G (NM_004415.3); short protein forms N339S.
Identifiers: ClinVar variation 922290 (VCV000922290.15), dbSNP rs746245682, ClinGen allele CA026669.
Genomic context (GRCh38, chr6:7,566,453, plus strand): 5'-TGGAAGTTAAAGAAAAAGAGCTCAATAAGCTGAAACAAGAAAGTGACCAACTTGTCCTCA[A>G]TCAGCATCCAGCTTCAGACAAAATTGAGGTAGGCTTCATGAGGTTTATATTTTTGTTAGA-3'
Protein context (NP_004406.2, residues 329-349): LKQESDQLVL[Asn339Ser]QHPASDKIEA